The following is an entry in ClinVar:

ClinVar aggregate classification (germline): Conflicting classifications of pathogenicity. Review status: criteria provided, conflicting classifications (1 of 4 stars). 4 submissions from 4 submitters: Uncertain significance (1); Benign (1); Likely benign (1). 1 of the submissions does not count toward it. Last evaluated 2026-01-08.

Conditions:
Ovarian cancer. Also called: OVARIAN CANCER, SOMATIC. Identifiers: Orphanet 213500, MedGen C1140680, MONDO:0008170, OMIM 167000.
Baller-Gerold syndrome (BGS). Also called: CRANIOSYNOSTOSIS WITH RADIAL DEFECTS. Identifiers: Orphanet 1225, MedGen C0265308, MONDO:0009039, OMIM 218600.
RECQL4-related disorder. Also called: RECQL4-related condition; RECQL4-related disorders.

Allele frequency attached by ClinVar (database versions not stated): TOPMed 0.00003; gnomAD 0.00004 and 0.00005; 1000 Genomes Project 0.00020; 1000 Genomes Project 30x 0.00031.

Submissions (4):

Labcorp Genetics (formerly Invitae), Labcorp
Classification: Uncertain significance for Baller-Gerold syndrome. Last evaluated: 2026-01-08. Review status: criteria provided, single submitter. Criteria: Invitae Variant Classification Sherloc (09022015). Collection method: clinical testing. Allele origin: germline.
Comment: This sequence change replaces valine, which is neutral and non-polar, with isoleucine, which is neutral and non-polar, at codon 354 of the RECQL4 protein (p.Val354Ile). This variant is present in population databases (rs551940973, gnomAD 0.1%). This variant has not been reported in the literature in individuals affected with RECQL4-related conditions. ClinVar contains an entry for this variant (Variation ID: 239690). Invitae Evidence Modeling of protein sequence and biophysical properties (such as structural, functional, and spatial information, amino acid conservation, physicochemical variation, residue mobility, and thermodynamic stability) indicates that this missense variant is not expected to disrupt RECQL4 protein function with a negative predictive value of 80%. In summary, the available evidence is currently insufficient to determine the role of this variant in disease. Therefore, it has been classified as a Variant of Uncertain Significance.

Blueprint Genetics
Classification: Likely benign. Last evaluated: 2024-09-10. Review status: criteria provided, single submitter. Criteria: ACMG Guidelines, 2015. Collection method: clinical testing. Allele origin: germline.

Laboratory of Molecular Epidemiology of Birth Defects, West China Second University Hospital, Sichuan University
Classification: Benign for Ovarian cancer. Last evaluated: 2022-01-01. Review status: criteria provided, single submitter. Criteria: ACMG Guidelines, 2015. Collection method: clinical testing. Allele origin: germline. Affected: yes.

PreventionGenetics, part of Exact Sciences
Classification: Uncertain significance for RECQL4-related condition. Last evaluated: 2024-07-23. Review status: no assertion criteria provided. Collection method: clinical testing. Allele origin: germline. Not counted in ClinVar's aggregate classification.
Comment: The RECQL4 c.1060G>A variant is predicted to result in the amino acid substitution p.Val354Ile. To our knowledge, this variant has not been reported in the literature. This variant is reported in 0.092% of alleles in individuals of East Asian descent in gnomAD. Although we suspect that this variant may be benign, at this time, the clinical significance of this variant is uncertain due to the absence of conclusive functional and genetic evidence.

NM_004260.4(RECQL4):c.1060G>A (p.Val354Ile)

Gene: RECQL4 (RecQ like helicase 4; minus strand). Cytogenetic location: 8q24.3.
Variant type: single nucleotide variant.
Coding change: c.1060G>A on transcript NM_004260.4 (MANE Select); coding-DNA position 1060, G replaced by A.
Protein change: p.Val354Ile; replaces valine 354 with isoleucine.
Molecular consequence: missense variant.
Genome position (GRCh38, 1-based): chr8:144,516,059, C>T on the plus strand (G>A on the coding strand, the complement: RECQL4 is on the minus strand). VCF-style: chr8-144516059-C-T. GRCh37 (hg19) VCF-style: chr8-145741443-C-T.
Other names: short protein forms V354I.
Identifiers: ClinVar variation 239690 (VCV000239690.12), dbSNP rs551940973, ClinGen allele CA4949093.
Genomic context (GRCh38, chr8:144,516,059, plus strand): 5'-GGAGCCTGCTACGGAGTGCCCGGCCCCGCACGTAGTGTTTCTGCTTCATGTTGAGCCGTA[C>T]GTAATTGCCCCTGTCATGGCGGGCCAGCCGAGGGAAGATGTGCAGGGGGGCTGTGCCCTC-3'
Protein context (NP_004251.4, residues 344-364): RLARHDRGNY[Val354Ile]RLNMKQKHYV